The following is an entry in ClinVar:

ClinVar aggregate classification (germline): Uncertain significance. Review status: criteria provided, multiple submitters, no conflicts (2 of 4 stars). 2 submissions from 2 submitters: Uncertain significance (2). Last evaluated 2023-06-08.

Conditions:
Duchenne muscular dystrophy (DMD). Also called: Duchenne Muscular Dystrophy (DMD); MUSCULAR DYSTROPHY, PSEUDOHYPERTROPHIC PROGRESSIVE, DUCHENNE TYPE. Identifiers: Orphanet 98896, MedGen C0013264, MONDO:0010679, OMIM 310200.

gnomAD v4.1: 18 of 1,210,750 alleles (0.0015%); highest among the groups gnomAD compares: Non-Finnish European, 0.0019%; no homozygotes.

Submissions (2):

Revvity Omics, Revvity
Classification: Uncertain significance. Last evaluated: 2023-06-08. Review status: criteria provided, single submitter. Criteria: ACMG Guidelines, 2015. Collection method: clinical testing. Allele origin: germline.

Labcorp Genetics (formerly Invitae), Labcorp
Classification: Uncertain significance for Duchenne muscular dystrophy. Last evaluated: 2021-11-09. Review status: criteria provided, single submitter. Criteria: Invitae Variant Classification Sherloc (09022015). Collection method: clinical testing. Allele origin: germline.
Comment: This sequence change replaces phenylalanine, which is neutral and non-polar, with leucine, which is neutral and non-polar, at codon 2694 of the DMD protein (p.Phe2694Leu). This variant is not present in population databases (gnomAD no frequency). This variant has not been reported in the literature in individuals affected with DMD-related conditions. Algorithms developed to predict the effect of missense changes on protein structure and function are either unavailable or do not agree on the potential impact of this missense change (SIFT: "Deleterious"; PolyPhen-2: "Benign"; Align-GVGD: "Class C15"). In summary, the available evidence is currently insufficient to determine the role of this variant in disease. Therefore, it has been classified as a Variant of Uncertain Significance.

NM_004006.3(DMD):c.8080T>C (p.Phe2694Leu)

Gene: DMD (dystrophin; minus strand). Cytogenetic location: Xp21.1.
Variant type: single nucleotide variant.
Coding change: c.8080T>C on transcript NM_004006.3 (MANE Select); coding-DNA position 8080, T replaced by C.
Protein change: p.Phe2694Leu; replaces phenylalanine 2694 with leucine.
Molecular consequence: missense variant.
Genome position (GRCh38, 1-based): chrX:31,627,810, A>G on the plus strand (T>C on the coding strand, the complement: DMD is on the minus strand). VCF-style: chrX-31627810-A-G. GRCh37 (hg19) VCF-style: chrX-31645927-A-G.
Other names: c.8080T>C (NM_004006.2); c.8056T>C, p.Phe2686Leu (NM_000109.4); c.8068T>C, p.Phe2690Leu (NM_004009.3); c.7711T>C, p.Phe2571Leu (NM_004010.3); c.4057T>C, p.Phe1353Leu (NM_004011.4); c.4048T>C, p.Phe1350Leu (NM_004012.4); c.700T>C, p.Phe234Leu (NM_004013.3, NM_004020.4, NM_004021.3 and 2 more transcripts); short protein forms F1350L, F234L, F2694L, F2686L, F1353L, F2571L, F2690L.
Identifiers: ClinVar variation 1490459 (VCV001490459.5), dbSNP rs2148423031, ClinGen allele CA412657345.